The following is an entry in ClinVar:

ClinVar aggregate classification (germline): Pathogenic (1 of 4 stars; one submission).

gnomAD v4.1: 1 of 1,542,810 alleles (0.000065%); highest among the groups gnomAD compares: Non-Finnish European, 0.000087%; no homozygotes.

Submission:

Labcorp Genetics (formerly Invitae), Labcorp
Classification: Pathogenic. Last evaluated: 2022-09-03. Review status: criteria provided, single submitter. Criteria: Invitae Variant Classification Sherloc (09022015). Collection method: clinical testing. Allele origin: germline.
Comment: For these reasons, this variant has been classified as Pathogenic. Algorithms developed to predict the effect of sequence changes on RNA splicing suggest that this variant may disrupt the consensus splice site. This sequence change affects a donor splice site in intron 4 of the MYO7A gene. It is expected to disrupt RNA splicing. Variants that disrupt the donor or acceptor splice site typically lead to a loss of protein function (PMID: 16199547), and loss-of-function variants in MYO7A are known to be pathogenic (PMID: 8900236, 25404053). This variant is not present in population databases (gnomAD no frequency). Disruption of this splice site has been observed in individuals with clinical features of Usher syndrome (PMID: 29490346; Invitae).

Literature cited by the submitters: PubMed 16199547; PubMed 8900236; PubMed 25404053; PubMed 29490346.

NM_000260.4(MYO7A):c.285+1G>A

Gene: MYO7A (myosin VIIA; plus strand). Cytogenetic location: 11q13.5.
Variant type: single nucleotide variant.
Coding change: c.285+1G>A on transcript NM_000260.4 (MANE Select); the canonical splice donor site of the intron after coding-DNA position 285, G replaced by A.
Molecular consequence: splice donor variant.
Genome position (GRCh38, 1-based): chr11:77,147,951, G>A. VCF-style: chr11-77147951-G-A. GRCh37 (hg19) VCF-style: chr11-76858997-G-A.
Other names: c.252+1G>A (NM_001369365.1); c.285+1G>A (NM_001127180.2).
Identifiers: ClinVar variation 1930932 (VCV001930932.5), dbSNP rs782661097, ClinGen allele CA6197082.